The following is an entry in ClinVar:

NM_015178.3(RHOBTB2):c.1827T>C (p.Asp609=)

Gene: RHOBTB2 (Rho related BTB domain containing 2; plus strand). Cytogenetic location: 8p21.3.
Variant type: single nucleotide variant.
Coding change: c.1827T>C on transcript NM_015178.3 (MANE Select); coding-DNA position 1827, T replaced by C.
Protein change: p.Asp609=; no amino-acid change (aspartic acid 609 retained).
Molecular consequence: synonymous variant.
Genome position (GRCh38, 1-based): chr8:23,014,745, T>C. VCF-style: chr8-23014745-T-C. GRCh37 (hg19) VCF-style: chr8-22872258-T-C.
Other names: c.1893T>C, p.Asp631= (NM_001160036.2); c.1848T>C, p.Asp616= (NM_001160037.2); c.1827T>C, p.Asp609= (NM_001374791.1).
Identifiers: ClinVar variation 4873509 (VCV004873509.2).

ClinVar aggregate classification (germline): Likely benign (1 of 4 stars; one submission).

gnomAD v4.1: 9 of 1,613,978 alleles (0.00056%); highest among the groups gnomAD compares: Non-Finnish European, 0.00076%; no homozygotes.

Submission:

CeGaT Center for Human Genetics Tuebingen
Classification: Likely benign. Last evaluated: 2026-05-01. Review status: criteria provided, single submitter. Criteria: CeGaT Center For Human Genetics Tuebingen Variant Classification Criteria Version 2. Collection method: clinical testing. Allele origin: germline. Affected: yes. Observed: 1 variant allele.
Comment: RHOBTB2: BP4, BP7